The following is an entry in ClinVar:

ClinVar aggregate classification (germline): Likely benign. Review status: criteria provided, multiple submitters, no conflicts (2 of 4 stars). 3 submissions from 3 submitters: Likely benign (3). Last evaluated 2024-01-17.

Conditions:
Muscular dystrophy-dystroglycanopathy (congenital with brain and eye anomalies), type a, 8 (MDDGA8). Also called: WALKER-WARBURG SYNDROME OR MUSCLE-EYE-BRAIN DISEASE, GTDC2-RELATED. Identifiers: Orphanet 899, MedGen C3553813, MONDO:0013904, OMIM 614830.

Allele frequency attached by ClinVar (database versions not stated): TOPMed 0.00003; gnomAD 0.00005; gnomAD exomes 0.00006 and 0.00007; ExAC 0.00013; 1000 Genomes Project 30x 0.00016; 1000 Genomes Project 0.00020.
gnomAD v4.1: 86 of 1,572,644 alleles (0.0055%); highest among the groups gnomAD compares: South Asian, 0.021%; 1 homozygote.

Submissions (3):

Blueprint Genetics
Classification: Likely benign. Last evaluated: 2024-01-17. Review status: criteria provided, single submitter. Criteria: ACMG Guidelines, 2015. Collection method: clinical testing. Allele origin: germline.

Labcorp Genetics (formerly Invitae), Labcorp
Classification: Likely benign for Muscular dystrophy-dystroglycanopathy (congenital with brain and eye anomalies), type a, 8. Last evaluated: 2023-11-17. Review status: criteria provided, single submitter. Criteria: Invitae Variant Classification Sherloc (09022015). Collection method: clinical testing. Allele origin: germline.

GeneDx
Classification: Likely benign. Last evaluated: 2016-05-04. Review status: criteria provided, single submitter. Criteria: GeneDx Variant Classification (06012015). Collection method: clinical testing. Allele origin: germline. Affected: yes.
Comment: This variant is considered likely benign or benign based on one or more of the following criteria: it is a conservative change, it occurs at a poorly conserved position in the protein, it is predicted to be benign by multiple in silico algorithms, and/or has population frequency not consistent with disease.

NM_032806.6(POMGNT2):c.15G>A (p.Ala5=)

Gene: POMGNT2 (protein O-linked mannose N-acetylglucosaminyltransferase 2 (beta 1,4-); minus strand). Cytogenetic location: 3p22.1.
Variant type: single nucleotide variant.
Coding change: c.15G>A on transcript NM_032806.6 (MANE Select); coding-DNA position 15, G replaced by A.
Protein change: p.Ala5=; no amino-acid change (alanine 5 retained).
Molecular consequence: synonymous variant.
Genome position (GRCh38, 1-based): chr3:43,081,417, C>T on the plus strand (G>A on the coding strand, the complement: POMGNT2 is on the minus strand). VCF-style: chr3-43081417-C-T. GRCh37 (hg19) VCF-style: chr3-43122909-C-T.
Identifiers: ClinVar variation 385618 (VCV000385618.10), dbSNP rs570040029, ClinGen allele CA2340177.
Genomic context (GRCh38, chr3:43,081,417, plus strand): 5'-CAGCCGCACATGCTTCCACAGGACCGCTGCCAGCACCGACACCAGGAGGGCGTTGAACAC[C>T]GCCGAGAGGTGCATCCTAATGCCACTGTGGGGCCCTAATGAGATGACGGCCACTGGGAAG-3'
Protein context (NP_116195.2, residues 1-15): MHLS[Ala5=]VFNALLVSVL